The following is an entry in ClinVar:

NM_000836.4(GRIN2D):c.937C>T (p.Arg313Trp)

Gene: GRIN2D (glutamate ionotropic receptor NMDA type subunit 2D; plus strand). Cytogenetic location: 19q13.33.
Variant type: single nucleotide variant.
Coding change: c.937C>T on transcript NM_000836.4 (MANE Select); coding-DNA position 937, C replaced by T.
Protein change: p.Arg313Trp; replaces arginine 313 with tryptophan.
Molecular consequence: missense variant.
Genome position (GRCh38, 1-based): chr19:48,405,205, C>T. VCF-style: chr19-48405205-C-T. GRCh37 (hg19) VCF-style: chr19-48908462-C-T.
Other names: short protein forms R313W.
Identifiers: ClinVar variation 1902333 (VCV001902333.5), dbSNP rs373524397, ClinGen allele CA9550419.

ClinVar aggregate classification (germline): Uncertain significance (1 of 4 stars; one submission).

Allele frequency attached by ClinVar (database versions not stated): ESP Exome Variant Server 0.00008.
gnomAD v4.1: 9 of 1,602,796 alleles (0.00056%); highest among the groups gnomAD compares: African/African-American, 0.0094%; no homozygotes.

Submission:

Labcorp Genetics (formerly Invitae), Labcorp
Classification: Uncertain significance. Last evaluated: 2025-02-04. Review status: criteria provided, single submitter. Criteria: Invitae Variant Classification Sherloc (09022015). Collection method: clinical testing. Allele origin: germline.
Comment: This sequence change replaces arginine, which is basic and polar, with tryptophan, which is neutral and slightly polar, at codon 313 of the GRIN2D protein (p.Arg313Trp). The frequency data for this variant in the population databases is considered unreliable, as metrics indicate poor data quality at this position in the gnomAD database. This variant has not been reported in the literature in individuals affected with GRIN2D-related conditions. ClinVar contains an entry for this variant (Variation ID: 1902333). Invitae Evidence Modeling of protein sequence and biophysical properties (such as structural, functional, and spatial information, amino acid conservation, physicochemical variation, residue mobility, and thermodynamic stability) indicates that this missense variant is not expected to disrupt GRIN2D protein function with a negative predictive value of 80%. In summary, the available evidence is currently insufficient to determine the role of this variant in disease. Therefore, it has been classified as a Variant of Uncertain Significance.